The following is an entry in ClinVar:

ClinVar aggregate classification (germline): Likely benign. Review status: criteria provided, multiple submitters, no conflicts (2 of 4 stars). 2 submissions from 2 submitters: Likely benign (2). Last evaluated 2025-09-17.

Conditions:
O'Donnell-Luria-Rodan syndrome (ODLURO). Also called: KMT2E-Related Neurodevelopmental Disorder. Identifiers: MedGen C5193138, MONDO:0032793, OMIM 618512.

Allele frequency attached by ClinVar (database versions not stated): TOPMed below 0.00001.
gnomAD v4.1: 35 of 1,613,904 alleles (0.0022%); highest among the groups gnomAD compares: Non-Finnish European, 0.0026%; no homozygotes.

Submissions (2):

Labcorp Genetics (formerly Invitae), Labcorp
Classification: Likely benign. Last evaluated: 2025-09-17. Review status: criteria provided, single submitter. Criteria: Invitae Variant Classification Sherloc (09022015). Collection method: clinical testing. Allele origin: germline.

Victorian Clinical Genetics Services, Murdoch Childrens Research Institute
Classification: Likely benign for O'Donnell-Luria-Rodan syndrome. Last evaluated: 2022-03-31. Review status: criteria provided, single submitter. Criteria: ACMG Guidelines, 2015. Collection method: clinical testing. Allele origin: germline. Inheritance: Autosomal dominant inheritance. Affected: yes.
Comment: Based on the classification scheme VCGS_Germline_v1.3.4, this variant is classified as likely benign. Following criteria are met: 0102 - Loss of function is a known mechanism of disease in this gene and is associated with O'Donnell-Luria-Rodan syndrome (MIM#618512). The mechanism for missense variants is currently unknown. (I) 0107 - This gene is associated with autosomal dominant disease. (I) 0200 - Variant is predicted to result in a missense amino acid change from glycine to glutamic acid. (I) 0251 - This variant is heterozygous. (I) 0302 - Variant is present in gnomAD (v2) <0.001 for a dominant condition (1 heterozygote, 0 homozygotes). (SP) 0502 - Missense variant with conflicting in silico predictions and uninformative conservation. (I) 0604 - Variant is not located in an established domain, motif, hotspot or informative constraint region. (I) 0705 - No comparable missense variants have previous evidence for pathogenicity. (I) 0809 - Previous evidence of pathogenicity for this variant is inconclusive. (I) 0904 - Non-segregation of this variant with the phenotype under investigation has been clearly demonstrated. (SB) 1007 - No published functional evidence has been identified for this variant. (I) Legend: (SP) - Supporting pathogenic, (I) - Information, (SB) - Supporting benign

NM_182931.3(KMT2E):c.4754G>A (p.Gly1585Glu)

Gene: KMT2E (lysine methyltransferase 2E (inactive); plus strand). Cytogenetic location: 7q22.3.
Variant type: single nucleotide variant.
Coding change: c.4754G>A on transcript NM_182931.3 (MANE Select); coding-DNA position 4754, G replaced by A.
Protein change: p.Gly1585Glu; replaces glycine 1585 with glutamic acid.
Molecular consequence: missense variant.
Genome position (GRCh38, 1-based): chr7:105,112,510, G>A. VCF-style: chr7-105112510-G-A. GRCh37 (hg19) VCF-style: chr7-104752957-G-A.
Other names: c.4628G>A, p.Gly1543Glu (NM_001410908.1); c.4754G>A, p.Gly1585Glu (NM_018682.4); short protein forms G1543E, G1585E.
Identifiers: ClinVar variation 1806179 (VCV001806179.2), dbSNP rs201719770, ClinGen allele CA164024228.